The following is an entry in ClinVar:

ClinVar aggregate classification (germline): Uncertain significance (1 of 4 stars; one submission).

Allele frequency attached by ClinVar (database versions not stated): gnomAD exomes below 0.00001.
gnomAD v4.1: 1 of 1,614,188 alleles (0.000062%); highest among the groups gnomAD compares: Non-Finnish European, 0.000085%; no homozygotes.

Submission:

CeGaT Center for Human Genetics Tuebingen
Classification: Uncertain significance. Last evaluated: 2023-02-01. Review status: criteria provided, single submitter. Criteria: CeGaT Center For Human Genetics Tuebingen Variant Classification Criteria Version 2. Collection method: clinical testing. Allele origin: germline. Affected: yes. Observed: 1 variant allele.
Comment: SALL1: PM2, BP4

NM_002968.3(SALL1):c.1252T>G (p.Ser418Ala)

Gene: SALL1 (spalt like transcription factor 1; minus strand). Cytogenetic location: 16q12.1.
Variant type: single nucleotide variant.
Coding change: c.1252T>G on transcript NM_002968.3 (MANE Select); coding-DNA position 1252, T replaced by G.
Protein change: p.Ser418Ala; replaces serine 418 with alanine.
Molecular consequence: missense variant.
Genome position (GRCh38, 1-based): chr16:51,140,970, A>C on the plus strand (T>G on the coding strand, the complement: SALL1 is on the minus strand). VCF-style: chr16-51140970-A-C. GRCh37 (hg19) VCF-style: chr16-51174881-A-C.
Other names: c.961T>G, p.Ser321Ala (NM_001127892.2); short protein forms S321A, S418A.
Identifiers: ClinVar variation 2646525 (VCV002646525.24), dbSNP rs2506492862, ClinGen allele CA395889077.
Genomic context (GRCh38, chr16:51,140,970, plus strand): 5'-CTTCAAAGGCAGTGACATTTGGTGGCTTGCTTTTTCTTTGCTGGGCCAAGGCAGACAAGG[A>C]GTTTAAATCCTCTGCAGTTGTTCCGATGTTGGGCAAAGGGCTGGGGAAAACCGAGTTAGC-3'
Protein context (NP_002959.2, residues 408-428): NIGTTAEDLN[Ser418Ala]LSALAQQRKS